The following is an entry in ClinVar:

NM_000441.2(SLC26A4):c.305G>A (p.Gly102Glu)

Gene: SLC26A4 (solute carrier family 26 member 4; plus strand). Cytogenetic location: 7q22.3.
Variant type: single nucleotide variant.
Coding change: c.305G>A on transcript NM_000441.2 (MANE Select); coding-DNA position 305, G replaced by A.
Protein change: p.Gly102Glu; replaces glycine 102 with glutamic acid.
Molecular consequence: missense variant.
Genome position (GRCh38, 1-based): chr7:107,672,138, G>A. VCF-style: chr7-107672138-G-A. GRCh37 (hg19) VCF-style: chr7-107312583-G-A.
Other names: c.305G>A (NM_000441.1); short protein forms G102E.
Identifiers: ClinVar variation 3601769 (VCV003601769.2).

ClinVar aggregate classification (germline): Conflicting classifications of pathogenicity. Review status: criteria provided, conflicting classifications (1 of 4 stars). 2 submissions from 2 submitters: Likely pathogenic (1); Uncertain significance (1). Last evaluated 2026-02-03.

Conditions:
Autosomal recessive nonsyndromic hearing loss 4 (DFNB4). Also called: FOXI1-Related Pendred Syndrome; KCNJ10-Related Pendred Syndrome; DEAFNESS, AUTOSOMAL RECESSIVE 4, WITH ENLARGED VESTIBULAR AQUEDUCT, DIGENIC; Nonsyndromic enlarged vestibular aqueduct (NSEVA); Deafness, autosomal recessive 4; NEUROSENSORY NONSYNDROMIC RECESSIVE DEAFNESS 4. Identifiers: Orphanet 90636, MedGen C3538946, MONDO:0010933, OMIM 600791.

Submissions (2):

GeneDx
Classification: Uncertain significance. Last evaluated: 2026-02-03. Review status: criteria provided, single submitter. Criteria: GeneDx Variant Classification Process June 2021. Collection method: clinical testing. Allele origin: germline.
Comment: Not observed at significant frequency in large population cohorts (gnomAD); In silico analysis supports that this missense variant has a deleterious effect on protein structure/function; Has not been previously published as pathogenic or benign to our knowledge

Institute of Rare Diseases, West China Hospital, Sichuan University
Classification: Likely pathogenic for Autosomal recessive nonsyndromic hearing loss 4. Last evaluated: 2025-01-09. Review status: criteria provided, single submitter. Criteria: ClinGen HL ACMG Specifications v1. Collection method: research. Allele origin: germline. Affected: yes.